The following is an entry in ClinVar:

ClinVar aggregate classification (germline): Uncertain significance. Review status: criteria provided, multiple submitters, no conflicts (2 of 4 stars). 3 submissions from 3 submitters: Uncertain significance (3). Last evaluated 2025-10-29.

Conditions:
Hereditary cancer-predisposing syndrome. Also called: Hereditary Cancer Syndrome; Hereditary neoplastic syndrome; Neoplastic Syndromes, Hereditary; Tumor predisposition. Identifiers: Orphanet 140162, MedGen C0027672, MeSH D009386, MONDO:0015356.
Intellectual disability, autosomal dominant 16 (CSS4). Also called: COFFIN-SIRIS SYNDROME 4. Identifiers: Orphanet 1465, MedGen C3553249, MONDO:0013821, OMIM 614609.
Rhabdoid tumor predisposition syndrome 2 (RTPS2). Identifiers: Orphanet 231108, Orphanet 69077, MedGen C2750074, MONDO:0013224, OMIM 613325.

Submissions (3):

Ambry Genetics
Classification: Uncertain significance for Hereditary cancer-predisposing syndrome. Last evaluated: 2025-10-29. Review status: criteria provided, single submitter. Criteria: Ambry Variant Classification Scheme 2023. Collection method: clinical testing. Allele origin: germline.
Comment: The p.P24R variant (also known as c.71C>G), located in coding exon 1 of the SMARCA4 gene, results from a C to G substitution at nucleotide position 71. The proline at codon 24 is replaced by arginine, an amino acid with dissimilar properties. This amino acid position is highly conserved in available vertebrate species. In addition, this alteration is predicted to be deleterious by in silico analysis. Since supporting evidence is limited at this time, the clinical significance of this alteration remains unclear.

Labcorp Genetics (formerly Invitae), Labcorp
Classification: Uncertain significance for Rhabdoid tumor predisposition syndrome 2. Last evaluated: 2024-04-10. Review status: criteria provided, single submitter. Criteria: Invitae Variant Classification Sherloc (09022015). Collection method: clinical testing. Allele origin: germline.
Comment: This sequence change replaces proline, which is neutral and non-polar, with arginine, which is basic and polar, at codon 24 of the SMARCA4 protein (p.Pro24Arg). This variant is not present in population databases (gnomAD no frequency). This variant has not been reported in the literature in individuals affected with SMARCA4-related conditions. ClinVar contains an entry for this variant (Variation ID: 408597). Advanced modeling of protein sequence and biophysical properties (such as structural, functional, and spatial information, amino acid conservation, physicochemical variation, residue mobility, and thermodynamic stability) has been performed at Invitae for this missense variant, however the output from this modeling did not meet the statistical confidence thresholds required to predict the impact of this variant on SMARCA4 protein function. In summary, the available evidence is currently insufficient to determine the role of this variant in disease. Therefore, it has been classified as a Variant of Uncertain Significance.

Genome-Nilou Lab
Classification: Uncertain significance for Intellectual disability, autosomal dominant 16. Last evaluated: 2021-07-15. Review status: criteria provided, single submitter. Criteria: ACMG Guidelines, 2015. Collection method: clinical testing. Allele origin: germline. Affected: no.

NM_003072.5(SMARCA4):c.71C>G (p.Pro24Arg)

Gene: SMARCA4 (SWI/SNF related BAF chromatin remodeling complex subunit ATPase 4; plus strand). Cytogenetic location: 19p13.2.
Variant type: single nucleotide variant.
Coding change: c.71C>G on transcript NM_003072.5 (MANE Select); coding-DNA position 71, C replaced by G.
Protein change: p.Pro24Arg; replaces proline 24 with arginine.
Molecular consequence: missense variant. On other transcripts: non-coding transcript variant (1).
Genome position (GRCh38, 1-based): chr19:10,984,222, C>G. VCF-style: chr19-10984222-C-G. GRCh37 (hg19) VCF-style: chr19-11094898-C-G.
Other names: c.71C>G, p.Pro24Arg (NM_001128844.3, NM_001128845.2, NM_001128846.2 and 5 more transcripts); short protein forms P24R.
Identifiers: ClinVar variation 408597 (VCV000408597.18), dbSNP rs772230026, ClinGen allele CA16616101.